The following is an entry in ClinVar:

NM_001110303.4(USP20):c.1329C>T (p.Ser443=)

Gene: USP20 (ubiquitin specific peptidase 20; plus strand). Cytogenetic location: 9q34.11.
Variant type: single nucleotide variant.
Coding change: c.1329C>T on transcript NM_001110303.4 (MANE Select); coding-DNA position 1329, C replaced by T.
Protein change: p.Ser443=; no amino-acid change (serine 443 retained).
Molecular consequence: synonymous variant.
Genome position (GRCh38, 1-based): chr9:129,869,362, C>T. VCF-style: chr9-129869362-C-T. GRCh37 (hg19) VCF-style: chr9-132631641-C-T.
Other names: c.1329C>T, p.Ser443= (NM_001008563.5, NM_006676.8).
Identifiers: ClinVar variation 4823263 (VCV004823263.4).
Genomic context (GRCh38, chr9:129,869,362, plus strand): 5'-GTCCCCAGCCCAGGTATTGAGTGCTGGCAGCCGGAGGCGGAAGGAGCAGCGCTACCGCAG[C>T]GTCATCTCAGACATCTTTGACGGCTCCATTCTCAGCCTTGTGCAGTGTCTCACCTGTGAC-3'
Protein context (NP_001103773.2, residues 433-453): SRRRKEQRYR[Ser443=]VISDIFDGSI

ClinVar aggregate classification (germline): Likely benign (1 of 4 stars; one submission).

gnomAD v4.1: 26 of 1,613,648 alleles (0.0016%); highest among the groups gnomAD compares: East Asian, 0.0089%; no homozygotes.

Submission:

CeGaT Center for Human Genetics Tuebingen
Classification: Likely benign. Last evaluated: 2026-01-01. Review status: criteria provided, single submitter. Criteria: CeGaT Center For Human Genetics Tuebingen Variant Classification Criteria Version 2. Collection method: clinical testing. Allele origin: germline. Affected: yes. Observed: 1 variant allele.
Comment: USP20: BP4, BP7